The following is an entry in ClinVar:

NM_001037.5(SCN1B):c.379C>T (p.Leu127Phe)

Gene: SCN1B (sodium voltage-gated channel beta subunit 1; plus strand). Cytogenetic location: 19q13.11.
Variant type: single nucleotide variant.
Coding change: c.379C>T on transcript NM_001037.5 (MANE Select); coding-DNA position 379, C replaced by T.
Protein change: p.Leu127Phe; replaces leucine 127 with phenylalanine.
Molecular consequence: missense variant.
Genome position (GRCh38, 1-based): chr19:35,033,670, C>T. VCF-style: chr19-35033670-C-T. GRCh37 (hg19) VCF-style: chr19-35524574-C-T.
Other names: c.280C>T, p.Leu94Phe (NM_001321605.2); c.379C>T, p.Leu127Phe (NM_199037.5); short protein forms L127F, L94F.
Identifiers: ClinVar variation 1329569 (VCV001329569.7), dbSNP rs2064229215, ClinGen allele CA405328904.

ClinVar aggregate classification (germline): Uncertain significance. Review status: criteria provided, multiple submitters, no conflicts (2 of 4 stars). 3 submissions from 3 submitters: Uncertain significance (3). Last evaluated 2025-05-14.

Conditions:
Cardiovascular phenotype. Identifiers: MedGen CN230736.
Brugada syndrome 5 (BRGDA5). Identifiers: Orphanet 130, Orphanet 871, MedGen C2748541, MONDO:0013015, OMIM 612838.

Allele frequency attached by ClinVar (database versions not stated): gnomAD exomes below 0.00001; gnomAD 0.00001.

Submissions (3):

Ambry Genetics
Classification: Uncertain significance for Cardiovascular phenotype. Last evaluated: 2025-05-14. Review status: criteria provided, single submitter. Criteria: Ambry Variant Classification Scheme 2023. Collection method: clinical testing. Allele origin: germline.

Labcorp Genetics (formerly Invitae), Labcorp
Classification: Uncertain significance for Brugada syndrome 5. Last evaluated: 2024-12-12. Review status: criteria provided, single submitter. Criteria: Invitae Variant Classification Sherloc (09022015). Collection method: clinical testing. Allele origin: germline.
Comment: This sequence change replaces leucine, which is neutral and non-polar, with phenylalanine, which is neutral and non-polar, at codon 127 of the SCN1B protein (p.Leu127Phe). This variant is not present in population databases (gnomAD no frequency). This variant has not been reported in the literature in individuals affected with SCN1B-related conditions. ClinVar contains an entry for this variant (Variation ID: 1329569). An algorithm developed to predict the effect of missense changes on protein structure and function (PolyPhen-2) suggests that this variant is likely to be disruptive. In summary, the available evidence is currently insufficient to determine the role of this variant in disease. Therefore, it has been classified as a Variant of Uncertain Significance.

GeneDx
Classification: Uncertain significance. Last evaluated: 2021-06-22. Review status: criteria provided, single submitter. Criteria: GeneDx Variant Classification Process June 2021. Collection method: clinical testing. Allele origin: germline. Affected: yes.
Comment: Not observed at significant frequency in large population cohorts (Lek et al., 2016); In silico analysis supports that this missense variant does not alter protein structure/function; Has not been previously published as pathogenic or benign to our knowledge; This variant is associated with the following publications: (PMID: 27535533)